The following is an entry in ClinVar:

NM_004606.5(TAF1):c.2684C>T (p.Ala895Val)

Gene: TAF1 (TATA-box binding protein associated factor 1; plus strand). Cytogenetic location: Xq13.1.
Variant type: single nucleotide variant.
Coding change: c.2684C>T on transcript NM_004606.5 (MANE Select); coding-DNA position 2684, C replaced by T.
Protein change: p.Ala895Val; replaces alanine 895 with valine.
Molecular consequence: missense variant. On other transcripts: non-coding transcript variant (9).
Genome position (GRCh38, 1-based): chrX:71,388,852, C>T. VCF-style: chrX-71388852-C-T. GRCh37 (hg19) VCF-style: chrX-70608702-C-T.
Other names: c.2684C>T, p.Ala895Val (NM_001286074.2, NM_001440852.1, NM_001440853.1); c.2621C>T, p.Ala874Val (NM_001440854.1, NM_138923.4); short protein forms A874V, A895V.
Identifiers: ClinVar variation 4685253 (VCV004685253.1).

ClinVar aggregate classification (germline): Uncertain significance (1 of 4 stars; one submission).

Submission:

GeneDx
Classification: Uncertain significance. Last evaluated: 2025-07-10. Review status: criteria provided, single submitter. Criteria: GeneDx Variant Classification Process June 2021. Collection method: clinical testing. Allele origin: germline. Affected: yes.
Comment: Not observed at significant frequency in large population cohorts (gnomAD); In silico analysis supports that this missense variant has a deleterious effect on protein structure/function; Has not been previously published as pathogenic or benign to our knowledge